The following is an entry in ClinVar:

NM_000088.4(COL1A1):c.2398-1G>A

Gene: COL1A1 (collagen type I alpha 1 chain; minus strand). Cytogenetic location: 17q21.33.
Variant type: single nucleotide variant.
Coding change: c.2398-1G>A on transcript NM_000088.4 (MANE Select); the canonical splice acceptor site of the intron before coding-DNA position 2398, G replaced by A.
Molecular consequence: splice acceptor variant.
Genome position (GRCh38, 1-based): chr17:50,190,381, C>T on the plus strand (G>A on the coding strand, the complement: COL1A1 is on the minus strand). VCF-style: chr17-50190381-C-T. GRCh37 (hg19) VCF-style: chr17-48267742-C-T.
Identifiers: ClinVar variation 871163 (VCV000871163.43), dbSNP rs193922147, ClinGen allele CA400208015.

ClinVar aggregate classification (germline): Pathogenic. Review status: criteria provided, multiple submitters, no conflicts (2 of 4 stars). 2 submissions from 2 submitters: Pathogenic (2). Last evaluated 2024-08-06.

Conditions:
Osteogenesis imperfecta type I (OI1). Also called: Lobstein disease; Osteogenesis imperfecta type 1; Classic Non-deforming Osteogenesis Imperfecta with Blue Sclerae; Lobstein's Disease; OI, TYPE I; OSTEOGENESIS IMPERFECTA TARDA. Identifiers: Orphanet 216796, Orphanet 666, MedGen C0023931, MONDO:0008146, OMIM 166200. Disease mechanism: loss of function.

Submissions (2):

Labcorp Genetics (formerly Invitae), Labcorp
Classification: Pathogenic for Osteogenesis imperfecta type I. Last evaluated: 2024-08-06. Review status: criteria provided, single submitter. Criteria: Invitae Variant Classification Sherloc (09022015). Collection method: clinical testing. Allele origin: germline.
Comment: This sequence change affects an acceptor splice site in intron 34 of the COL1A1 gene. It is expected to disrupt RNA splicing. Variants that disrupt the donor or acceptor splice site typically lead to a loss of protein function (PMID: 16199547), and loss-of-function variants in COL1A1 are known to be pathogenic (PMID: 7942841, 9295084, 9443882). This variant is not present in population databases (gnomAD no frequency). Disruption of this splice site has been observed in individual(s) with osteogenesis imperfecta (PMID: 25963598). ClinVar contains an entry for this variant (Variation ID: 871163). Algorithms developed to predict the effect of sequence changes on RNA splicing suggest that this variant may disrupt the consensus splice site. For these reasons, this variant has been classified as Pathogenic.

CeGaT Center for Human Genetics Tuebingen
Classification: Pathogenic. Last evaluated: 2019-11-01. Review status: criteria provided, single submitter. Criteria: CeGaT Center For Human Genetics Tuebingen Variant Classification Criteria Version 2. Collection method: clinical testing. Allele origin: germline. Affected: yes. Observed: 2 variant alleles.

Literature cited by the submitters: PubMed 16199547 (cited by Labcorp Genetics (formerly Invitae), Labcorp); PubMed 7942841 (cited by Labcorp Genetics (formerly Invitae), Labcorp); PubMed 9295084 (cited by Labcorp Genetics (formerly Invitae), Labcorp); PubMed 9443882 (cited by Labcorp Genetics (formerly Invitae), Labcorp); PubMed 25963598 (cited by Labcorp Genetics (formerly Invitae), Labcorp).